The following is an entry in ClinVar:

NM_003412.4(ZIC1):c.162C>A (p.His54Gln)

Gene: ZIC1 (Zic family zinc finger 1; plus strand). Cytogenetic location: 3q24.
Variant type: single nucleotide variant.
Coding change: c.162C>A on transcript NM_003412.4 (MANE Select); coding-DNA position 162, C replaced by A.
Protein change: p.His54Gln; replaces histidine 54 with glutamine.
Molecular consequence: missense variant.
Genome position (GRCh38, 1-based): chr3:147,410,274, C>A. VCF-style: chr3-147410274-C-A. GRCh37 (hg19) VCF-style: chr3-147128061-C-A.
Other names: c.162C>A (NM_003412.3); short protein forms H54Q.
Identifiers: ClinVar variation 1952042 (VCV001952042.6), dbSNP rs758813821, ClinGen allele CA354896050.

ClinVar aggregate classification (germline): Conflicting classifications of pathogenicity. Review status: criteria provided, conflicting classifications (1 of 4 stars). 2 submissions from 2 submitters: Uncertain significance (1); Likely benign (1). Last evaluated 2026-01-19.

Conditions:
Inborn genetic diseases. Identifiers: MedGen C0950123, MeSH D030342.

Allele frequency attached by ClinVar (database versions not stated): TOPMed 0.00005; gnomAD 0.00024.
gnomAD v4.1: 54 of 1,600,586 alleles (0.0034%); highest among the groups gnomAD compares: Admixed American, 0.087%; no homozygotes.

Submissions (2):

Labcorp Genetics (formerly Invitae), Labcorp
Classification: Uncertain significance. Last evaluated: 2026-01-19. Review status: criteria provided, single submitter. Criteria: Invitae Variant Classification Sherloc (09022015). Collection method: clinical testing. Allele origin: germline.
Comment: This sequence change replaces histidine, which is basic and polar, with glutamine, which is neutral and polar, at codon 54 of the ZIC1 protein (p.His54Gln). This variant is present in population databases (no rsID available, gnomAD 0.05%), and has an allele count higher than expected for a pathogenic variant. This variant has not been reported in the literature in individuals affected with ZIC1-related conditions. ClinVar contains an entry for this variant (Variation ID: 1952042). Invitae Evidence Modeling of protein sequence and biophysical properties (such as structural, functional, and spatial information, amino acid conservation, physicochemical variation, residue mobility, and thermodynamic stability) indicates that this missense variant is not expected to disrupt ZIC1 protein function with a negative predictive value of 80%. In summary, the available evidence is currently insufficient to determine the role of this variant in disease. Therefore, it has been classified as a Variant of Uncertain Significance.

Ambry Genetics
Classification: Likely benign for Inborn genetic diseases. Last evaluated: 2025-11-24. Review status: criteria provided, single submitter. Criteria: Ambry Variant Classification Scheme 2023. Collection method: clinical testing. Allele origin: germline.